The following is an entry in ClinVar:

NM_001267550.2(TTN):c.90737G>A (p.Trp30246Ter)

Genes: TTN (titin; minus strand), TTN-AS1 (TTN antisense RNA 1; plus strand). Cytogenetic location: 2q31.2.
Variant type: single nucleotide variant.
Coding change: c.90737G>A on transcript NM_001267550.2 (MANE Select); coding-DNA position 90737, G replaced by A.
Protein change: p.Trp30246Ter; replaces tryptophan 30246 with a stop codon.
Molecular consequence: nonsense.
Genome position (GRCh38, 1-based): chr2:178,552,163, C>T on the plus strand (G>A on the coding strand, the complement: TTN is on the minus strand). VCF-style: chr2-178552163-C-T. GRCh37 (hg19) VCF-style: chr2-179416890-C-T.
Other names: c.85814G>A, p.Trp28605Ter (NM_001256850.1); c.63542G>A, p.Trp21181Ter (NM_003319.4); c.83033G>A, p.Trp27678Ter (NM_133378.4); c.63917G>A, p.Trp21306Ter (NM_133432.3); c.64118G>A, p.Trp21373Ter (NM_133437.4); short protein forms W21306*, W21373*, W21181*, W27678*, W28605*, W30246*.
Identifiers: ClinVar variation 1523051 (VCV001523051.6), dbSNP rs2154151058, ClinGen allele CA349507002.
Genomic context (GRCh38, chr2:178,552,163, plus strand): 5'-TCCCGCTTCTCGATGCTGTAACAAGTAATTTCTCCTCCTCCATTATCTTCAGGTACATCC[C>T]ATGACAGGATGACACTATCAGCCTTGATTTCATCAAATCGAATGGGTCCTTTGGGCTTTG-3'

ClinVar aggregate classification (germline): Likely pathogenic (1 of 4 stars; one submission).

Conditions:
Dilated cardiomyopathy 1G (CMD1G). Identifiers: Orphanet 154, MedGen C1858763, MONDO:0011400, OMIM 604145.
Autosomal recessive limb-girdle muscular dystrophy type 2J (LGMDR10). Also called: Limb-girdle muscular dystrophy, type 2J; MUSCULAR DYSTROPHY, LIMB-GIRDLE, AUTOSOMAL RECESSIVE 10. Identifiers: Orphanet 140922, MedGen C1837342, MONDO:0012127, OMIM 608807.

gnomAD v4.1: 1 of 1,613,828 alleles (0.000062%); highest among the groups gnomAD compares: Non-Finnish European, 0.000085%; no homozygotes.

Submission:

Labcorp Genetics (formerly Invitae), Labcorp
Classification: Likely pathogenic for Dilated cardiomyopathy 1G; Autosomal recessive limb-girdle muscular dystrophy type 2J. Last evaluated: 2025-04-21. Review status: criteria provided, single submitter. Criteria: Invitae Variant Classification Sherloc (09022015). Collection method: clinical testing. Allele origin: germline.
Comment: This sequence change creates a premature translational stop signal (p.Trp30246*) in the TTN gene. While this is not anticipated to result in nonsense mediated decay, it is expected to create a truncated TTN protein. This variant is not present in population databases (gnomAD no frequency). This variant has not been reported in the literature in individuals affected with TTN-related conditions. ClinVar contains an entry for this variant (Variation ID: 1523051). This variant is located in the A band of TTN (PMID: 25589632). Truncating variants in this region are significantly overrepresented in patients affected with dilated cardiomyopathy (PMID: 25589632). Truncating variants in this region have also been reported in individuals affected with autosomal recessive centronuclear myopathy (PMID: 23975875). In summary, the currently available evidence indicates that the variant is pathogenic, but additional data are needed to prove that conclusively. Therefore, this variant has been classified as Likely Pathogenic.

Literature cited by the submitters: PubMed 25589632; PubMed 23975875.